The following is an entry in ClinVar:

NM_017612.5(ZCCHC8):c.1956G>T (p.Thr652=)

Gene: ZCCHC8 (zinc finger CCHC-type containing 8; minus strand). Cytogenetic location: 12q24.31.
Variant type: single nucleotide variant.
Coding change: c.1956G>T on transcript NM_017612.5 (MANE Select); coding-DNA position 1956, G replaced by T.
Protein change: p.Thr652=; no amino-acid change (threonine 652 retained).
Molecular consequence: synonymous variant.
Genome position (GRCh38, 1-based): chr12:122,473,665, C>A on the plus strand (G>T on the coding strand, the complement: ZCCHC8 is on the minus strand). VCF-style: chr12-122473665-C-A. GRCh37 (hg19) VCF-style: chr12-122958212-C-A.
Other names: c.1956G>T (NM_017612.4); c.1725G>T, p.Thr575= (NM_001350935.2); c.1659G>T, p.Thr553= (NM_001350936.2); c.1242G>T, p.Thr414= (NM_001350937.2, NM_001350938.2).
Identifiers: ClinVar variation 2187664 (VCV002187664.6), dbSNP rs747742940, ClinGen allele CA6846066.

ClinVar aggregate classification (germline): Likely benign. Review status: criteria provided, single submitter (1 of 4 stars). 2 submissions from 2 submitters: Likely benign (1). 1 of the submissions does not count toward it. Last evaluated 2024-12-18.

Conditions:
ZCCHC8-related disorder. Also called: ZCCHC8-related condition.

gnomAD v4.1: 15 of 1,613,910 alleles (0.00093%); highest among the groups gnomAD compares: Admixed American, 0.023%; no homozygotes.

Submissions (2):

Labcorp Genetics (formerly Invitae), Labcorp
Classification: Likely benign. Last evaluated: 2024-12-18. Review status: criteria provided, single submitter. Criteria: Invitae Variant Classification Sherloc (09022015). Collection method: clinical testing. Allele origin: germline.

PreventionGenetics, part of Exact Sciences
Classification: Likely benign for ZCCHC8-related condition. Last evaluated: 2021-09-09. Review status: no assertion criteria provided. Collection method: clinical testing. Allele origin: germline. Not counted in ClinVar's aggregate classification.
Comment: This variant is classified as likely benign based on ACMG/AMP sequence variant interpretation guidelines (Richards et al. 2015 PMID: 25741868, with internal and published modifications).